The following is an entry in ClinVar:

ClinVar aggregate classification (germline): Uncertain significance (1 of 4 stars; one submission).

Submission:

Labcorp Genetics (formerly Invitae), Labcorp
Classification: Uncertain significance. Last evaluated: 2024-12-28. Review status: criteria provided, single submitter. Criteria: Invitae Variant Classification Sherloc (09022015). Collection method: clinical testing. Allele origin: germline.
Comment: This sequence change replaces arginine, which is basic and polar, with tryptophan, which is neutral and slightly polar, at codon 2077 of the CACNA1E protein (p.Arg2077Trp). This variant is not present in population databases (gnomAD no frequency). This variant has not been reported in the literature in individuals affected with CACNA1E-related conditions. Invitae Evidence Modeling of protein sequence and biophysical properties (such as structural, functional, and spatial information, amino acid conservation, physicochemical variation, residue mobility, and thermodynamic stability) has been performed for this missense variant. However, the output from this modeling did not meet the statistical confidence thresholds required to predict the impact of this variant on CACNA1E protein function. In summary, the available evidence is currently insufficient to determine the role of this variant in disease. Therefore, it has been classified as a Variant of Uncertain Significance.

NM_001205293.3(CACNA1E):c.6358A>T (p.Arg2120Trp)

Gene: CACNA1E (calcium voltage-gated channel subunit alpha1 E; plus strand). Cytogenetic location: 1q25.3.
Variant type: single nucleotide variant.
Coding change: c.6358A>T on transcript NM_001205293.3 (MANE Select); coding-DNA position 6358, A replaced by T.
Protein change: p.Arg2120Trp; replaces arginine 2120 with tryptophan.
Molecular consequence: missense variant.
Genome position (GRCh38, 1-based): chr1:181,796,817, A>T. VCF-style: chr1-181796817-A-T. GRCh37 (hg19) VCF-style: chr1-181765953-A-T.
Other names: c.6229A>T, p.Arg2077Trp (NM_000721.4); c.6172A>T, p.Arg2058Trp (NM_001205294.2); short protein forms R2077W, R2120W, R2058W.
Identifiers: ClinVar variation 3633696 (VCV003633696.2).